The following is an entry in ClinVar:

ClinVar aggregate classification (germline): Uncertain significance (1 of 4 stars; one submission).

gnomAD v4.1: 1 of 1,613,404 alleles (0.000062%); no homozygotes.

Submission:

Labcorp Genetics (formerly Invitae), Labcorp
Classification: Uncertain significance. Last evaluated: 2023-10-13. Review status: criteria provided, single submitter. Criteria: Invitae Variant Classification Sherloc (09022015). Collection method: clinical testing. Allele origin: germline.
Comment: This sequence change replaces threonine, which is neutral and polar, with arginine, which is basic and polar, at codon 20 of the SLC12A6 protein (p.Thr20Arg). This variant is not present in population databases (gnomAD no frequency). This variant has not been reported in the literature in individuals affected with SLC12A6-related conditions. ClinVar contains an entry for this variant (Variation ID: 1356982). Advanced modeling of protein sequence and biophysical properties (such as structural, functional, and spatial information, amino acid conservation, physicochemical variation, residue mobility, and thermodynamic stability) performed at Invitae indicates that this missense variant is not expected to disrupt SLC12A6 protein function. In summary, the available evidence is currently insufficient to determine the role of this variant in disease. Therefore, it has been classified as a Variant of Uncertain Significance.

NM_001365088.1(SLC12A6):c.59C>G (p.Thr20Arg)

Gene: SLC12A6 (solute carrier family 12 member 6; minus strand). Cytogenetic location: 15q14.
Variant type: single nucleotide variant.
Coding change: c.59C>G on transcript NM_001365088.1 (MANE Select); coding-DNA position 59, C replaced by G.
Protein change: p.Thr20Arg; replaces threonine 20 with arginine.
Molecular consequence: missense variant. On other transcripts: intron variant (2).
Genome position (GRCh38, 1-based): chr15:34,336,622, G>C on the plus strand (C>G on the coding strand, the complement: SLC12A6 is on the minus strand). VCF-style: chr15-34336622-G-C. GRCh37 (hg19) VCF-style: chr15-34628823-G-C.
Other names: c.32C>G, p.Thr11Arg (NM_001042496.2); c.59C>G, p.Thr20Arg (NM_001042497.2, NM_133647.2); c.-98-21C>G (NM_001042495.2, NM_001042494.2); short protein forms T20R, T11R.
Identifiers: ClinVar variation 1356982 (VCV001356982.8), dbSNP rs2141213365, ClinGen allele CA391621787.